The following is an entry in ClinVar:

NM_018076.5(ODAD2):c.974A>G (p.Asp325Gly)

Gene: ODAD2 (outer dynein arm docking complex subunit 2; minus strand). Cytogenetic location: 10p12.1.
Variant type: single nucleotide variant.
Coding change: c.974A>G on transcript NM_018076.5 (MANE Select); coding-DNA position 974, A replaced by G.
Protein change: p.Asp325Gly; replaces aspartic acid 325 with glycine.
Molecular consequence: missense variant. On other transcripts: intron variant (1).
Genome position (GRCh38, 1-based): chr10:27,971,276, T>C on the plus strand (A>G on the coding strand, the complement: ODAD2 is on the minus strand). VCF-style: chr10-27971276-T-C. GRCh37 (hg19) VCF-style: chr10-28260205-T-C.
Other names: c.974A>G, p.Asp325Gly (NM_001290020.2); c.50A>G, p.Asp17Gly (NM_001312689.2); c.-187-9561A>G (NM_001290021.2); short protein forms D325G, D17G.
Identifiers: ClinVar variation 3302152 (VCV003302152.1).

ClinVar aggregate classification (germline): Uncertain significance (1 of 4 stars; one submission).

Conditions:
Primary ciliary dyskinesia. Also called: Ciliary dyskinesia. Identifiers: Orphanet 244, MedGen C0008780, MONDO:0016575, HP:0012265.

Submission:

Ambry Genetics
Classification: Uncertain significance for Primary ciliary dyskinesia. Last evaluated: 2024-04-23. Review status: criteria provided, single submitter. Criteria: Ambry Variant Classification Scheme 2023. Collection method: clinical testing. Allele origin: germline.
Comment: The p.D325G variant (also known as c.974A>G), located in coding exon 7 of the ARMC4 gene, results from an A to G substitution at nucleotide position 974. The aspartic acid at codon 325 is replaced by glycine, an amino acid with similar properties. This amino acid position is conserved. In addition, this alteration is predicted to be tolerated by in silico analysis. Based on the available evidence, the clinical significance of this variant remains unclear.